The following is an entry in ClinVar:

NM_182961.4(SYNE1):c.25598G>A (p.Arg8533Gln)

Gene: SYNE1 (spectrin repeat containing nuclear envelope protein 1; minus strand). Cytogenetic location: 6q25.2.
Variant type: single nucleotide variant.
Coding change: c.25598G>A on transcript NM_182961.4 (MANE Select); coding-DNA position 25598, G replaced by A.
Protein change: p.Arg8533Gln; replaces arginine 8533 with glutamine.
Molecular consequence: missense variant.
Genome position (GRCh38, 1-based): chr6:152,136,679, C>T on the plus strand (G>A on the coding strand, the complement: SYNE1 is on the minus strand). VCF-style: chr6-152136679-C-T. GRCh37 (hg19) VCF-style: chr6-152457814-C-T.
Other names: c.2204G>A, p.Arg735Gln (NM_001347701.2); c.2132G>A, p.Arg711Gln (NM_001347702.2); c.25454G>A, p.Arg8485Gln (NM_033071.5); short protein forms R8533Q, R735Q, R8485Q, R711Q.
Identifiers: ClinVar variation 968634 (VCV000968634.9), dbSNP rs1420121296, ClinGen allele CA366078898.
Genomic context (GRCh38, chr6:152,136,679, plus strand): 5'-TGGCACTGCATCAGGGCATCCTGCAGCAGGCCCCGCCACTCCTCCAGCAGAGAGCACACT[C>T]GGTCCCAGCGCCCATTCATCTGCGACAAGCGATCCTGCAGGTCCCGGCTCTCCTTGCTGT-3'
Protein context (NP_892006.3, residues 8523-8543): RLSQMNGRWD[Arg8533Gln]VCSLLEEWRG

ClinVar aggregate classification (germline): Uncertain significance (1 of 4 stars; one submission).

Conditions:
Autosomal recessive ataxia, Beauce type. Also called: Spinocerebellar ataxia, autosomal recessive 8; ATAXIA, RECESSIVE, OF BEAUCE; SYNE1-Related Autosomal Recessive Cerebellar Ataxia; SYNE1 Deficiency. Identifiers: Orphanet 88644, MedGen C1853116, MONDO:0012549, OMIM 610743.
Emery-Dreifuss muscular dystrophy 4, autosomal dominant (EDMD4). Also called: EMERY-DREIFUSS MUSCULAR DYSTROPHY 4 WITH VARIABLE FEATURES. Identifiers: Orphanet 261, MedGen C2751807, MONDO:0013071, OMIM 612998.

Allele frequency attached by ClinVar (database versions not stated): gnomAD exomes below 0.00001; TOPMed below 0.00001.
gnomAD v4.1: 7 of 1,614,202 alleles (0.00043%); highest among the groups gnomAD compares: Admixed American, 0.0017%; no homozygotes.

Submission:

Labcorp Genetics (formerly Invitae), Labcorp
Classification: Uncertain significance for Emery-Dreifuss muscular dystrophy 4, autosomal dominant; Autosomal recessive ataxia, Beauce type. Last evaluated: 2022-07-04. Review status: criteria provided, single submitter. Criteria: Invitae Variant Classification Sherloc (09022015). Collection method: clinical testing. Allele origin: germline.
Comment: This sequence change replaces arginine, which is basic and polar, with glutamine, which is neutral and polar, at codon 8485 of the SYNE1 protein (p.Arg8485Gln). This variant is present in population databases (no rsID available, gnomAD 0.003%). This variant has not been reported in the literature in individuals affected with SYNE1-related conditions. ClinVar contains an entry for this variant (Variation ID: 968634). Algorithms developed to predict the effect of missense changes on protein structure and function (SIFT, PolyPhen-2, Align-GVGD) all suggest that this variant is likely to be tolerated. In summary, the available evidence is currently insufficient to determine the role of this variant in disease. Therefore, it has been classified as a Variant of Uncertain Significance.